The following is an entry in ClinVar:

ClinVar aggregate classification (germline): Benign. Review status: criteria provided, multiple submitters, no conflicts (2 of 4 stars). 2 submissions from 2 submitters: Benign (2). Last evaluated 2018-06-14.

Allele frequency attached by ClinVar (database versions not stated): gnomAD 1.00000; 1000 Genomes Project 30x 1.00000; 1000 Genomes Project 1.00000; TOPMed 1.00000.
gnomAD v4.1: 152,316 of 152,316 alleles (100%); highest among the groups gnomAD compares: Non-Finnish European, 100%; 76,158 homozygotes.

Submissions (2):

GeneDx
Classification: Benign. Last evaluated: 2018-06-14. Review status: criteria provided, single submitter. Criteria: GeneDx Variant Classification (06012015). Collection method: clinical testing. Allele origin: germline. Affected: yes.
Comment: This variant is considered likely benign or benign based on one or more of the following criteria: it is a conservative change, it occurs at a poorly conserved position in the protein, it is predicted to be benign by multiple in silico algorithms, and/or has population frequency not consistent with disease.

Breakthrough Genomics
Classification: Benign. Review status: criteria provided, single submitter. Criteria: ACMG Guidelines, 2015. Collection method: not provided. Allele origin: germline. Inheritance: Autosomal recessive inheritance. Affected: yes.

NM_006096.4(NDRG1):c.99+187A>G

Gene: NDRG1 (N-myc downstream regulated 1; minus strand). Cytogenetic location: 8q24.22.
Variant type: single nucleotide variant.
Coding change: c.99+187A>G on transcript NM_006096.4 (MANE Select); 187 bases into the intron after coding-DNA position 99, A replaced by G.
Molecular consequence: intron variant.
Genome position (GRCh38, 1-based): chr8:133,280,045, T>C on the plus strand (A>G on the coding strand, the complement: NDRG1 is on the minus strand). VCF-style: chr8-133280045-T-C. GRCh37 (hg19) VCF-style: chr8-134292288-T-C.
Other names: c.-99-15393A>G (NM_001258432.2); c.-100+187A>G (NM_001374847.1); c.-39+187A>G (NM_001258433.2); c.99+187A>G (NM_001374844.1, NM_001135242.2, NM_001374845.1 and 1 more transcripts).
Identifiers: ClinVar variation 667640 (VCV000667640.2), dbSNP rs2977507, ClinGen allele CA186356609.